The following is an entry in ClinVar:

ClinVar aggregate classification (germline): Uncertain significance. Review status: criteria provided, multiple submitters, no conflicts (2 of 4 stars). 3 submissions from 3 submitters: Uncertain significance (3). Last evaluated 2025-12-08.

Conditions:
Inborn genetic diseases. Identifiers: MedGen C0950123, MeSH D030342.

Allele frequency attached by ClinVar (database versions not stated): gnomAD exomes 0.00003 and 0.00008; TOPMed 0.00003; ExAC 0.00004; gnomAD 0.00004 and 0.00005.
gnomAD v4.1: 51 of 1,614,058 alleles (0.0032%); highest among the groups gnomAD compares: African/African-American, 0.004%; no homozygotes.

Submissions (3):

Ambry Genetics
Classification: Uncertain significance for Inborn genetic diseases. Last evaluated: 2025-12-08. Review status: criteria provided, single submitter. Criteria: Ambry Variant Classification Scheme 2023. Collection method: clinical testing. Allele origin: germline.

Labcorp Genetics (formerly Invitae), Labcorp
Classification: Uncertain significance. Last evaluated: 2025-09-02. Review status: criteria provided, single submitter. Criteria: Invitae Variant Classification Sherloc (09022015). Collection method: clinical testing. Allele origin: germline.
Comment: This sequence change replaces arginine, which is basic and polar, with cysteine, which is neutral and slightly polar, at codon 251 of the RDH5 protein (p.Arg251Cys). This variant is present in population databases (rs758023649, gnomAD 0.01%). This variant has not been reported in the literature in individuals affected with RDH5-related conditions. ClinVar contains an entry for this variant (Variation ID: 1483257). Invitae Evidence Modeling of protein sequence and biophysical properties (such as structural, functional, and spatial information, amino acid conservation, physicochemical variation, residue mobility, and thermodynamic stability) indicates that this missense variant is expected to disrupt RDH5 protein function with a positive predictive value of 80%. In summary, the available evidence is currently insufficient to determine the role of this variant in disease. Therefore, it has been classified as a Variant of Uncertain Significance.

Blueprint Genetics
Classification: Uncertain significance. Last evaluated: 2024-10-31. Review status: criteria provided, single submitter. Criteria: ACMG Guidelines, 2015. Collection method: clinical testing. Allele origin: germline.

NM_002905.5(RDH5):c.751C>T (p.Arg251Cys)

Genes: BLOC1S1-RDH5 (BLOC1S1-RDH5 readthrough; plus strand), CD63 (CD63 molecule; minus strand), RDH5 (retinol dehydrogenase 5; plus strand). Cytogenetic location: 12q13.2.
Variant type: single nucleotide variant.
Coding change: c.751C>T on transcript NM_002905.5 (MANE Select); coding-DNA position 751, C replaced by T.
Protein change: p.Arg251Cys; replaces arginine 251 with cysteine.
Molecular consequence: missense variant. On other transcripts: non-coding transcript variant (1).
Genome position (GRCh38, 1-based): chr12:55,724,339, C>T. VCF-style: chr12-55724339-C-T. GRCh37 (hg19) VCF-style: chr12-56118123-C-T.
Other names: c.751C>T (NM_002905.3); c.751C>T, p.Arg251Cys (NM_001199771.3); short protein forms R251C.
Identifiers: ClinVar variation 1483257 (VCV001483257.8), dbSNP rs758023649, ClinGen allele CA6616948.